The following is an entry in ClinVar:

NM_000138.5(FBN1):c.1871T>A (p.Met624Lys)

Gene: FBN1 (fibrillin 1; minus strand). Cytogenetic location: 15q21.1.
Variant type: single nucleotide variant.
Coding change: c.1871T>A on transcript NM_000138.5 (MANE Select); coding-DNA position 1871, T replaced by A.
Protein change: p.Met624Lys; replaces methionine 624 with lysine.
Molecular consequence: missense variant.
Genome position (GRCh38, 1-based): chr15:48,505,114, A>T on the plus strand (T>A on the coding strand, the complement: FBN1 is on the minus strand). VCF-style: chr15-48505114-A-T. GRCh37 (hg19) VCF-style: chr15-48797311-A-T.
Other names: c.1871T>A, p.Met624Lys (NM_001406716.1); short protein forms M624K.
Identifiers: ClinVar variation 4071667 (VCV004071667.1).
Genomic context (GRCh38, chr15:48,505,114, plus strand): 5'-GCCAGTCCAGGGAAGCATTCACATCTGTAGGAGCCATCAGTGTTGACGCAACGCCCATTC[A>T]TGCAGATCCCAGGGGTTTCACACTCGTTAATGTCTGTGGCAGAGAAAGGCACTTATTAAA-3'
Protein context (NP_000129.3, residues 614-634): INECETPGIC[Met624Lys]NGRCVNTDGS

ClinVar aggregate classification (germline): Uncertain significance (1 of 4 stars; one submission).

Submission:

GeneDx
Classification: Uncertain significance. Last evaluated: 2025-01-15. Review status: criteria provided, single submitter. Criteria: GeneDx Variant Classification Process June 2021. Collection method: clinical testing. Allele origin: germline. Affected: yes.
Comment: Not observed at significant frequency in large population cohorts (gnomAD); In silico analysis supports that this missense variant has a deleterious effect on protein structure/function; Has not been previously published as pathogenic or benign to our knowledge; Does not affect a cysteine or calcium-binding residue within an EGF-like domain or a TGF-binding protein domain of the FBN1 gene; cysteine substitutions in the EGF-like domains represent the majority of pathogenic missense changes associated with FBN1-related disorders (PMID: 12938084); This variant is associated with the following publications: (PMID: 12938084)